The following is an entry in ClinVar:

ClinVar aggregate classification (germline): Pathogenic. Review status: criteria provided, multiple submitters, no conflicts (2 of 4 stars). 2 submissions from 2 submitters: Pathogenic (2). Last evaluated 2024-05-15.

Conditions:
Sotos syndrome (SOTOS). Also called: CEREBRAL GIGANTISM; CHROMOSOME 5q35 DELETION SYNDROME; SOTOS SYNDROME 1; Sotos' syndrome; Distinctive facial appearance, overgrowth in childhood, and learning disabilities or delayed development. Identifiers: Orphanet 821, MedGen C0175695, MONDO:0019349, OMIM 117550.

Submissions (2):

Labcorp Genetics (formerly Invitae), Labcorp
Classification: Pathogenic. Last evaluated: 2024-05-15. Review status: criteria provided, single submitter. Criteria: Invitae Variant Classification Sherloc (09022015). Collection method: clinical testing. Allele origin: germline.
Comment: This sequence change creates a premature translational stop signal (p.Gln1370*) in the NSD1 gene. It is expected to result in an absent or disrupted protein product. Loss-of-function variants in NSD1 are known to be pathogenic (PMID: 12464997, 14571271, 15942875, 16247291). This variant is not present in population databases (gnomAD no frequency). This premature translational stop signal has been observed in individual(s) with clinical features of Sotos syndrome (PMID: 15452385). ClinVar contains an entry for this variant (Variation ID: 802182). For these reasons, this variant has been classified as Pathogenic.

Mendelics
Classification: Pathogenic for Sotos syndrome. Last evaluated: 2019-05-28. Review status: criteria provided, single submitter. Criteria: Mendelics Assertion Criteria 2017. Collection method: clinical testing. Allele origin: unknown.

Literature cited by the submitters: PubMed 12464997 (cited by Labcorp Genetics (formerly Invitae), Labcorp); PubMed 14571271 (cited by Labcorp Genetics (formerly Invitae), Labcorp); PubMed 15942875 (cited by Labcorp Genetics (formerly Invitae), Labcorp); PubMed 16247291 (cited by Labcorp Genetics (formerly Invitae), Labcorp); PubMed 15452385 (cited by Labcorp Genetics (formerly Invitae), Labcorp).

NM_022455.5(NSD1):c.4108C>T (p.Gln1370Ter)

Gene: NSD1 (nuclear receptor binding SET domain protein 1; plus strand). Cytogenetic location: 5q35.3.
Variant type: single nucleotide variant.
Coding change: c.4108C>T on transcript NM_022455.5 (MANE Select); coding-DNA position 4108, C replaced by T.
Protein change: p.Gln1370Ter; replaces glutamine 1370 with a stop codon.
Molecular consequence: nonsense.
Genome position (GRCh38, 1-based): chr5:177,238,423, C>T. VCF-style: chr5-177238423-C-T. GRCh37 (hg19) VCF-style: chr5-176665424-C-T.
Other names: c.3235C>T, p.Gln1079Ter (NM_001365684.2, NM_001409306.1, NM_001409307.1 and 3 more transcripts); c.4108C>T, p.Gln1370Ter (NM_001409301.1, NM_001409302.1, NM_001409303.1); c.3688C>T, p.Gln1230Ter (NM_001409304.1); c.3355C>T, p.Gln1119Ter (NM_001409305.1); short protein forms Q1370*, Q1101*, Q1079*, Q1119*, Q1230*.
Identifiers: ClinVar variation 802182 (VCV000802182.6), dbSNP rs1581408152, ClinGen allele CA362341094.